The following is an entry in ClinVar:

NM_021619.3(PRDM12):c.1041CGC[10] (p.Ala358_Ala359del)

Gene: PRDM12 (PR/SET domain 12; plus strand). Cytogenetic location: 9q34.12.
Variant type: Microsatellite.
Coding change: c.1041CGC[10] on transcript NM_021619.3 (MANE Select); ten copies in a row of the 3-base unit CGC starting at c.1041; the reference has 12 copies in a row; two copies, 6 bases deleted; also written c.1071_1076del.
Protein change: p.Ala358_Ala359del.
Molecular consequence: inframe deletion.
Genome position (GRCh38, 1-based): chr9:130,681,636-130,681,641, CGCCGC deleted; deleting any 6 consecutive bases within chr9:130,681,606-130,681,641 gives the same sequence; the position shown is the placement nearest the transcript's 3' end. VCF-style (leftmost placement, unchanged base first): chr9-130681605-TCGCCGC-T. GRCh37 (hg19) VCF-style: chr9-133556992-TCGCCGC-T.
Other names: p.Ala358_Ala359del; c.1071_1076del (NM_021619.2, NM_021619.3).
Identifiers: ClinVar variation 475811 (VCV000475811.17), dbSNP rs752427775, ClinGen allele CA658657911.

ClinVar aggregate classification (germline): Benign/Likely benign. Review status: criteria provided, multiple submitters, no conflicts (2 of 4 stars). 4 submissions from 4 submitters: Benign (2); Likely benign (2). Last evaluated 2026-01-28.

Conditions:
Congenital insensitivity to pain-hypohidrosis syndrome. Also called: HSAN VIII; Neuropathy, hereditary sensory and autonomic, type VIII. Identifiers: Orphanet 478664, MedGen C4225308, MONDO:0014662, OMIM 616488.
Inborn genetic diseases. Identifiers: MedGen C0950123, MeSH D030342.

Submissions (4):

Labcorp Genetics (formerly Invitae), Labcorp
Classification: Benign for Congenital insensitivity to pain-hypohidrosis syndrome. Last evaluated: 2026-01-28. Review status: criteria provided, single submitter. Criteria: Invitae Variant Classification Sherloc (09022015). Collection method: clinical testing. Allele origin: germline.

Mayo Clinic Laboratories, Mayo Clinic
Classification: Benign. Last evaluated: 2025-04-16. Review status: criteria provided, single submitter. Criteria: ACMG Guidelines, 2015. Collection method: clinical testing. Allele origin: germline. Observed: 1 variant allele.
Comment: BS1

Blueprint Genetics
Classification: Likely benign. Last evaluated: 2024-10-21. Review status: criteria provided, single submitter. Criteria: ACMG Guidelines, 2015. Collection method: clinical testing. Allele origin: germline.

Ambry Genetics
Classification: Likely benign for Inborn genetic diseases. Last evaluated: 2022-12-14. Review status: criteria provided, single submitter. Criteria: Ambry Variant Classification Scheme 2023. Collection method: clinical testing. Allele origin: germline.